The following is an entry in ClinVar:

ClinVar aggregate classification (germline): Uncertain significance. Review status: criteria provided, multiple submitters, no conflicts (2 of 4 stars). 2 submissions from 2 submitters: Uncertain significance (2). Last evaluated 2024-05-10.

Conditions:
Joubert syndrome. Also called: CEREBELLOPARENCHYMAL DISORDER IV; JOUBERT-BOLTSHAUSER SYNDROME; Familial aplasia of the vermis. Identifiers: Orphanet 475, MedGen C5979921, MONDO:0018772.
Joubert syndrome 3 (JBTS3). Also called: AHI1-related Ciliopathy. Identifiers: Orphanet 220493, MedGen C1837713, MONDO:0012078, OMIM 608629.

gnomAD v4.1: 3 of 1,613,724 alleles (0.00019%); highest among the groups gnomAD compares: Non-Finnish European, 0.00025%; no homozygotes.

Submissions (2):

Fulgent Genetics
Classification: Uncertain significance for Joubert syndrome 3. Last evaluated: 2024-05-10. Review status: criteria provided, single submitter. Criteria: ACMG Guidelines, 2015. Collection method: clinical testing. Allele origin: germline.

Labcorp Genetics (formerly Invitae), Labcorp
Classification: Uncertain significance for Joubert syndrome. Last evaluated: 2022-09-06. Review status: criteria provided, single submitter. Criteria: Invitae Variant Classification Sherloc (09022015). Collection method: clinical testing. Allele origin: germline.
Comment: This sequence change replaces histidine, which is basic and polar, with tyrosine, which is neutral and polar, at codon 1073 of the AHI1 protein (p.His1073Tyr). This variant is not present in population databases (gnomAD no frequency). This variant has not been reported in the literature in individuals affected with AHI1-related conditions. ClinVar contains an entry for this variant (Variation ID: 1463578). Advanced modeling of protein sequence and biophysical properties (such as structural, functional, and spatial information, amino acid conservation, physicochemical variation, residue mobility, and thermodynamic stability) performed at Invitae indicates that this missense variant is not expected to disrupt AHI1 protein function. In summary, the available evidence is currently insufficient to determine the role of this variant in disease. Therefore, it has been classified as a Variant of Uncertain Significance.

NM_001134831.2(AHI1):c.3217C>T (p.His1073Tyr)

Gene: AHI1 (Abelson helper integration site 1; minus strand). Cytogenetic location: 6q23.3.
Variant type: single nucleotide variant.
Coding change: c.3217C>T on transcript NM_001134831.2 (MANE Select); coding-DNA position 3217, C replaced by T.
Protein change: p.His1073Tyr; replaces histidine 1073 with tyrosine.
Molecular consequence: missense variant.
Genome position (GRCh38, 1-based): chr6:135,323,273, G>A on the plus strand (C>T on the coding strand, the complement: AHI1 is on the minus strand). VCF-style: chr6-135323273-G-A. GRCh37 (hg19) VCF-style: chr6-135644411-G-A.
Other names: c.3217C>T, p.His1073Tyr (NM_001134830.2, NM_001350503.2, NM_001350504.2 and 1 more transcripts); c.3217C>T (NM_017651.4); short protein forms H1073Y.
Identifiers: ClinVar variation 1463578 (VCV001463578.6), dbSNP rs374945386, ClinGen allele CA148533692.
Genomic context (GRCh38, chr6:135,323,273, plus strand): 5'-TGCTGCCATACCACCAGTCTTCATTATCTTTGAAAAACACTCGGATAATGTCTCCGCGAT[G>A]GATGGTTAGTTCATCTGATCGATTCGCTGTGTAGTCATAAAGAGCCACTACCTAAGAGAG-3'
Protein context (NP_001128303.1, residues 1063-1083): TANRSDELTI[His1073Tyr]RGDIIRVFFK